The following is an entry in ClinVar:

ClinVar aggregate classification (germline): Uncertain significance. Review status: criteria provided, multiple submitters, no conflicts (2 of 4 stars). 2 submissions from 2 submitters: Uncertain significance (2). Last evaluated 2026-05-20.

Conditions:
Hereditary cancer-predisposing syndrome. Also called: Hereditary neoplastic syndrome; Neoplastic Syndromes, Hereditary; Tumor predisposition; Hereditary Cancer Syndrome. Identifiers: Orphanet 140162, MedGen C0027672, MeSH D009386, MONDO:0015356.
Microcephaly, normal intelligence and immunodeficiency (NBS). Also called: IMMUNODEFICIENCY, MICROCEPHALY, AND CHROMOSOMAL INSTABILITY; Immunodeficiency, microcephaly with normal intelligence; Ataxia telangiectasia variant V1; SEEMANOVA SYNDROME II; Nijmegen breakage syndrome; Microcephaly with normal intelligence immunodeficiency and lymphoreticular malignancies. Identifiers: Orphanet 647, MedGen C0398791, MONDO:0009623, OMIM 251260.

Allele frequency attached by ClinVar (database versions not stated): gnomAD exomes below 0.00001.
gnomAD v4.1: 2 of 1,614,054 alleles (0.00012%); highest among the groups gnomAD compares: Non-Finnish European, 0.00017%; no homozygotes.

Submissions (2):

Ambry Genetics
Classification: Uncertain significance for Hereditary cancer-predisposing syndrome. Last evaluated: 2026-05-20. Review status: criteria provided, single submitter. Criteria: Ambry Variant Classification Scheme 2023. Collection method: clinical testing. Allele origin: germline.
Comment: The p.V271G variant (also known as c.812T>G), located in coding exon 7 of the NBN gene, results from a T to G substitution at nucleotide position 812. The valine at codon 271 is replaced by glycine, an amino acid with dissimilar properties. This amino acid position is conserved. In addition, this alteration is predicted to be deleterious by in silico analysis. Based on the available evidence, the clinical significance of this variant remains unclear.

Labcorp Genetics (formerly Invitae), Labcorp
Classification: Uncertain significance for Microcephaly, normal intelligence and immunodeficiency. Last evaluated: 2023-02-02. Review status: criteria provided, single submitter. Criteria: Invitae Variant Classification Sherloc (09022015). Collection method: clinical testing. Allele origin: germline.
Comment: This variant is not present in population databases (gnomAD no frequency). This sequence change replaces valine, which is neutral and non-polar, with glycine, which is neutral and non-polar, at codon 271 of the NBN protein (p.Val271Gly). This variant has not been reported in the literature in individuals affected with NBN-related conditions. ClinVar contains an entry for this variant (Variation ID: 1022642). Algorithms developed to predict the effect of missense changes on protein structure and function are either unavailable or do not agree on the potential impact of this missense change (SIFT: "Deleterious"; PolyPhen-2: "Possibly Damaging"; Align-GVGD: "Class C0"). In summary, the available evidence is currently insufficient to determine the role of this variant in disease. Therefore, it has been classified as a Variant of Uncertain Significance.

NM_002485.5(NBN):c.812T>G (p.Val271Gly)

Gene: NBN (nibrin; minus strand). Cytogenetic location: 8q21.3.
Variant type: single nucleotide variant.
Coding change: c.812T>G on transcript NM_002485.5 (MANE Select); coding-DNA position 812, T replaced by G.
Protein change: p.Val271Gly; replaces valine 271 with glycine.
Molecular consequence: missense variant.
Genome position (GRCh38, 1-based): chr8:89,970,448, A>C on the plus strand (T>G on the coding strand, the complement: NBN is on the minus strand). VCF-style: chr8-89970448-A-C. GRCh37 (hg19) VCF-style: chr8-90982676-A-C.
Other names: c.812T>G (NM_002485.4); c.566T>G, p.Val189Gly (NM_001024688.3); short protein forms V189G, V271G.
Identifiers: ClinVar variation 1022642 (VCV001022642.9), dbSNP rs1811458181, ClinGen allele CA371658563.